The following is an entry in ClinVar:

ClinVar aggregate classification (somatic clinical impact): Tier I - Strong. Review status: criteria provided, single submitter (1 of 4 stars). 3 submissions from 1 submitter. 1 of the submissions does not count toward it. Last evaluated 2024-12-16.

Conditions:
Dysembryoplastic neuroepithelial tumor. Identifiers: Orphanet 251946, MedGen C1266177, MONDO:0005505, HP:0033703.
Pilocytic astrocytoma. Also called: Pilocytic astrocytoma, somatic. Identifiers: Orphanet 251612, MedGen C0334583, MONDO:0016691, HP:0033680.
Diffuse pediatric-type high-grade glioma, H3-wildtype and IDH-wildtype. Identifiers: MedGen C5669918, MONDO:0858939.

Submissions (3):

Institute for Genomic Medicine (IGM) Clinical Laboratory, Nationwide Children's Hospital
Classification: Tier I - Strong for Dysembryoplastic neuroepithelial tumor. Assertion type: diagnostic. Clinical significance: supports diagnosis. Last evaluated: 2024-12-16. Review status: criteria provided, single submitter. Criteria: AMP/ASCO/CAP Guidelines, 2017. Collection method: clinical testing. Allele origin: somatic. Affected: yes.
Comment: Variant has Tier I (strong) clinical significance as a diagnostic inclusion criterion in dysembryoplastic neuroepithelial tumor, based on the following evidence: 1) Diagnostic for a specific tumor type/classification according to professional guidelines (Evidence Level A; PMIDs: 26810070, 26920151, 30825062, 35836307).

Institute for Genomic Medicine (IGM) Clinical Laboratory, Nationwide Children's Hospital
Classification: Tier I - Strong for Pilocytic astrocytoma. Assertion type: diagnostic. Clinical significance: supports diagnosis. Last evaluated: 2024-06-20. Review status: criteria provided, single submitter. Criteria: AMP/ASCO/CAP Guidelines, 2017. Collection method: clinical testing. Allele origin: somatic. Affected: yes.
Comment: Variant has Tier I (strong) clinical significance as a diagnostic inclusion criterion in pilocytic astrocytoma, based on the following evidence: 1) Documented in one or more cancer databases (e.g., St. Jude Pecan, COSMIC, CIViC, OncoKB). 2) Appears in one or more well-established professional guidelines (e.g., World Health Organization [WHO]; National Comprehensive Cancer Network [NCCN]) as providing diagnostic, prognostic, or therapeutic information. 3) Information in the literature supports potential biologic effect of variant (PMIDs: 19224897, 34272467). 4) Diagnostic for a specific tumor type/classification according to professional guidelines (Evidence Level A; PMIDs: 23817572, 23583981, 31673897, 24806303, 32059187, 27701736, 33352931, 32289278, 26083571, 35018490, 28912153).

Institute for Genomic Medicine (IGM) Clinical Laboratory, Nationwide Children's Hospital
Classification: Tier II - Potential for Diffuse pediatric-type high-grade glioma, H3-wildtype and IDH-wildtype. Assertion type: diagnostic. Clinical significance: supports diagnosis. Last evaluated: 2023-11-22. Review status: criteria provided, single submitter. Criteria: AMP/ASCO/CAP Guidelines, 2017. Collection method: clinical testing. Allele origin: somatic. Affected: yes. Not counted in ClinVar's aggregate classification.
Comment: Variant has Tier II (potential) clinical significance as a diagnostic inclusion criterion in diffuse pediatric-type high-grade glioma, H3-wildtype and IDH-wildtype, based on the following evidence: 1) Documented in one or more cancer databases (e.g., St. Jude Pecan, COSMIC, CIViC, OncoKB). 2) Information in the literature supports potential biologic effect of variant (PMIDs: 19224897, 34272467). 3) Diagnostic significance based on multiple small studies (Evidence Level C; PMIDs: 24705251, 29763623, 28912153, 28966033).

Literature cited by the submitters: PubMed 26810070; PubMed 26920151; PubMed 30825062; PubMed 35836307; PubMed 19224897; PubMed 34272467; PubMed 23817572; PubMed 23583981; PubMed 31673897; PubMed 24806303; PubMed 32059187; PubMed 27701736; PubMed 33352931; PubMed 32289278; PubMed 26083571; PubMed 35018490; PubMed 28912153; PubMed 24705251; PubMed 29763623; PubMed 28966033.

NM_023110.3(FGFR1):c.1638C>G (p.Asn546Lys)

Gene: FGFR1 (fibroblast growth factor receptor 1; minus strand). Cytogenetic location: 8p11.23.
Variant type: single nucleotide variant.
Coding change: c.1638C>G on transcript NM_023110.3 (MANE Select); coding-DNA position 1638, C replaced by G.
Protein change: p.Asn546Lys; replaces asparagine 546 with lysine.
Molecular consequence: missense variant.
Genome position (GRCh38, 1-based): chr8:38,417,331, G>C on the plus strand (C>G on the coding strand, the complement: FGFR1 is on the minus strand). VCF-style: chr8-38417331-G-C. GRCh37 (hg19) VCF-style: chr8-38274849-G-C.
Other names: c.1632C>G, p.Asn544Lys (NM_001174063.2, NM_001174065.2, NM_001354367.2 and 1 more transcripts); c.1608C>G, p.Asn536Lys (NM_001174064.2); c.1371C>G, p.Asn457Lys (NM_001174066.2, NM_023105.3); c.1731C>G, p.Asn577Lys (NM_001174067.2); c.1359C>G, p.Asn453Lys (NM_001354368.2); c.1626C>G, p.Asn542Lys (NM_001354369.2, NM_001410922.1); c.1365C>G, p.Asn455Lys (NM_001354370.2, NM_023106.3); short protein forms N453K, N455K, N457K, N536K, N542K, N544K, N546K, N577K.
Identifiers: ClinVar variation 4530549 (VCV004530549.1).